The following is an entry in ClinVar:

ClinVar aggregate classification (germline): Likely benign. Review status: criteria provided, multiple submitters, no conflicts (2 of 4 stars). 2 submissions from 2 submitters: Likely benign (2). Last evaluated 2026-04-01.

Allele frequency attached by ClinVar (database versions not stated): 1000 Genomes Project 0.00280; 1000 Genomes Project 30x 0.00281; gnomAD 0.00373; ExAC 0.00439; gnomAD exomes 0.00464 and 0.00608; ESP Exome Variant Server 0.00566; TOPMed 0.00593.
gnomAD v4.1: 9,592 of 1,608,954 alleles (0.6%); highest among the groups gnomAD compares: Middle Eastern, 0.83%; 47 homozygotes.

Submissions (2):

CeGaT Center for Human Genetics Tuebingen
Classification: Likely benign. Last evaluated: 2026-04-01. Review status: criteria provided, single submitter. Criteria: CeGaT Center For Human Genetics Tuebingen Variant Classification Criteria Version 2. Collection method: clinical testing. Allele origin: germline. Affected: yes. Observed: 6 variant alleles.
Comment: ITPR2: BP4, BS2

Labcorp Genetics (formerly Invitae), Labcorp
Classification: Likely benign. Last evaluated: 2019-12-31. Review status: criteria provided, single submitter. Criteria: Invitae Variant Classification Sherloc (09022015). Collection method: clinical testing. Allele origin: germline.

NM_002223.4(ITPR2):c.3539G>A (p.Arg1180Gln)

Gene: ITPR2 (inositol 1,4,5-trisphosphate receptor type 2; minus strand). Cytogenetic location: 12p11.23.
Variant type: single nucleotide variant.
Coding change: c.3539G>A on transcript NM_002223.4 (MANE Select); coding-DNA position 3539, G replaced by A.
Protein change: p.Arg1180Gln; replaces arginine 1180 with glutamine.
Molecular consequence: missense variant.
Genome position (GRCh38, 1-based): chr12:26,602,630, C>T on the plus strand (G>A on the coding strand, the complement: ITPR2 is on the minus strand). VCF-style: chr12-26602630-C-T. GRCh37 (hg19) VCF-style: chr12-26755563-C-T.
Other names: short protein forms R1180Q.
Identifiers: ClinVar variation 714176 (VCV000714176.46), dbSNP rs35862420, ClinGen allele CA6489269.